The following is an entry in ClinVar:

NM_022124.6(CDH23):c.6572C>A (p.Thr2191Asn)

Gene: CDH23 (cadherin related 23; plus strand). Cytogenetic location: 10q22.1.
Variant type: single nucleotide variant.
Coding change: c.6572C>A on transcript NM_022124.6 (MANE Select); coding-DNA position 6572, C replaced by A.
Protein change: p.Thr2191Asn; replaces threonine 2191 with asparagine.
Molecular consequence: missense variant.
Genome position (GRCh38, 1-based): chr10:71,793,500, C>A. VCF-style: chr10-71793500-C-A. GRCh37 (hg19) VCF-style: chr10-73553257-C-A.
Other names: short protein forms T2191N.
Identifiers: ClinVar variation 2895478 (VCV002895478.3), dbSNP rs2132954359, ClinGen allele CA377155335.

ClinVar aggregate classification (germline): Uncertain significance (1 of 4 stars; one submission).

Submission:

Labcorp Genetics (formerly Invitae), Labcorp
Classification: Uncertain significance. Last evaluated: 2023-09-05. Review status: criteria provided, single submitter. Criteria: Invitae Variant Classification Sherloc (09022015). Collection method: clinical testing. Allele origin: germline.
Comment: This sequence change replaces threonine, which is neutral and polar, with asparagine, which is neutral and polar, at codon 2191 of the CDH23 protein (p.Thr2191Asn). This variant is not present in population databases (gnomAD no frequency). This variant has not been reported in the literature in individuals affected with CDH23-related conditions. Advanced modeling of protein sequence and biophysical properties (such as structural, functional, and spatial information, amino acid conservation, physicochemical variation, residue mobility, and thermodynamic stability) performed at Invitae indicates that this missense variant is not expected to disrupt CDH23 protein function. In summary, the available evidence is currently insufficient to determine the role of this variant in disease. Therefore, it has been classified as a Variant of Uncertain Significance.